The following is an entry in ClinVar:

ClinVar aggregate classification (germline): Likely benign. Review status: criteria provided, multiple submitters, no conflicts (2 of 4 stars). 3 submissions from 3 submitters: Likely benign (3). Last evaluated 2026-01-16.

Conditions:
Cardiovascular phenotype. Identifiers: MedGen CN230736.
Autosomal recessive limb-girdle muscular dystrophy type 2J (LGMDR10). Also called: MUSCULAR DYSTROPHY, LIMB-GIRDLE, AUTOSOMAL RECESSIVE 10; Limb-girdle muscular dystrophy, type 2J. Identifiers: Orphanet 140922, MedGen C1837342, MONDO:0012127, OMIM 608807.
Dilated cardiomyopathy 1G (CMD1G). Identifiers: Orphanet 154, MedGen C1858763, MONDO:0011400, OMIM 604145.

Allele frequency attached by ClinVar (database versions not stated): gnomAD exomes below 0.00001 and 0.00001.
gnomAD v4.1: 2 of 1,613,882 alleles (0.00012%); highest among the groups gnomAD compares: Admixed American, 0.0017%; no homozygotes.

Submissions (3):

Labcorp Genetics (formerly Invitae), Labcorp
Classification: Likely benign for Dilated cardiomyopathy 1G; Autosomal recessive limb-girdle muscular dystrophy type 2J. Last evaluated: 2026-01-16. Review status: criteria provided, single submitter. Criteria: Invitae Variant Classification Sherloc (09022015). Collection method: clinical testing. Allele origin: germline.

Ambry Genetics
Classification: Likely benign for Cardiovascular phenotype. Last evaluated: 2022-10-02. Review status: criteria provided, single submitter. Criteria: Ambry Variant Classification Scheme 2023. Collection method: clinical testing. Allele origin: germline.

Laboratory for Molecular Medicine, Mass General Brigham Personalized Medicine
Classification: Likely benign. Last evaluated: 2016-07-18. Review status: criteria provided, single submitter. Criteria: LMM Criteria. Collection method: clinical testing. Allele origin: germline. Observed: 1 variant allele.
Comment: p.Glu31976Glu in exon 307 of TTN: This variant is not expected to have clinical significance because it does not alter an amino acid residue and is not located within the splice consensus sequence.

NM_001267550.2(TTN):c.103632G>A (p.Glu34544=)

Genes: TTN (titin; minus strand), TTN-AS1 (TTN antisense RNA 1; plus strand). Cytogenetic location: 2q31.2.
Variant type: single nucleotide variant.
Coding change: c.103632G>A on transcript NM_001267550.2 (MANE Select); coding-DNA position 103632, G replaced by A.
Protein change: p.Glu34544=; no amino-acid change (glutamic acid 34544 retained).
Molecular consequence: synonymous variant.
Genome position (GRCh38, 1-based): chr2:178,532,983, C>T on the plus strand (G>A on the coding strand, the complement: TTN is on the minus strand). VCF-style: chr2-178532983-C-T. GRCh37 (hg19) VCF-style: chr2-179397710-C-T.
Other names: c.98709G>A, p.Glu32903= (NM_001256850.1); c.76437G>A, p.Glu25479= (NM_003319.4); c.76812G>A, p.Glu25604= (NM_133432.3); c.77013G>A, p.Glu25671= (NM_133437.4); c.95928G>A, p.Glu31976= (NM_133378.4).
Identifiers: ClinVar variation 505240 (VCV000505240.17), dbSNP rs1285886003, ClinGen allele CA430237231.